The following is an entry in ClinVar:

ClinVar aggregate classification (germline): Uncertain significance (1 of 4 stars; one submission).

gnomAD v4.1: 6 of 1,614,040 alleles (0.00037%); highest among the groups gnomAD compares: East Asian, 0.0022%; no homozygotes.

Submission:

GeneDx
Classification: Uncertain significance. Last evaluated: 2024-09-10. Review status: criteria provided, single submitter. Criteria: GeneDx Variant Classification Process June 2021. Collection method: clinical testing. Allele origin: germline. Affected: yes.
Comment: Not observed at significant frequency in large population cohorts (gnomAD); In silico analysis indicates that this missense variant does not alter protein structure/function; Has not been previously published as pathogenic or benign to our knowledge

NM_153676.4(USH1C):c.286G>A (p.Glu96Lys)

Gene: USH1C (USH1 protein network component harmonin; minus strand). Cytogenetic location: 11p15.1.
Variant type: single nucleotide variant.
Coding change: c.286G>A on transcript NM_153676.4 (MANE Select); coding-DNA position 286, G replaced by A.
Protein change: p.Glu96Lys; replaces glutamic acid 96 with lysine.
Molecular consequence: missense variant. On other transcripts: non-coding transcript variant (1).
Genome position (GRCh38, 1-based): chr11:17,531,255, C>T on the plus strand (G>A on the coding strand, the complement: USH1C is on the minus strand). VCF-style: chr11-17531255-C-T. GRCh37 (hg19) VCF-style: chr11-17552802-C-T.
Other names: c.286G>A, p.Glu96Lys (NM_001297764.2, NM_005709.4); short protein forms E96K.
Identifiers: ClinVar variation 3767572 (VCV003767572.1).